The following is an entry in ClinVar:

ClinVar aggregate classification (germline): Likely benign (1 of 4 stars; one submission).

Allele frequency attached by ClinVar (database versions not stated): gnomAD exomes 0.00066; gnomAD 0.00629 and 0.00672; TOPMed 0.00804; 1000 Genomes Project 0.01058; 1000 Genomes Project 30x 0.01109.
gnomAD v4.1: 1,548 of 995,714 alleles (0.16%); highest among the groups gnomAD compares: African/African-American, 2.2%; 25 homozygotes.

Submission:

GeneDx
Classification: Likely benign. Last evaluated: 2018-06-16. Review status: criteria provided, single submitter. Criteria: GeneDx Variant Classification (06012015). Collection method: clinical testing. Allele origin: germline. Affected: yes.
Comment: This variant is considered likely benign or benign based on one or more of the following criteria: it is a conservative change, it occurs at a poorly conserved position in the protein, it is predicted to be benign by multiple in silico algorithms, and/or has population frequency not consistent with disease.

NM_000256.3(MYBPC3):c.2309-96C>G

Gene: MYBPC3 (myosin binding protein C3; minus strand). Cytogenetic location: 11p11.2.
Variant type: single nucleotide variant.
Coding change: c.2309-96C>G on transcript NM_000256.3 (MANE Select); 96 bases into the intron before coding-DNA position 2309, C replaced by G.
Molecular consequence: intron variant.
Genome position (GRCh38, 1-based): chr11:47,337,890, G>C on the plus strand (C>G on the coding strand, the complement: MYBPC3 is on the minus strand). VCF-style: chr11-47337890-G-C. GRCh37 (hg19) VCF-style: chr11-47359441-G-C.
Identifiers: ClinVar variation 675870 (VCV000675870.1), dbSNP rs11570096, ClinGen allele CA221689121.